The following is an entry in ClinVar:

NM_031220.4(PITPNM3):c.2684A>G (p.Lys895Arg)

Gene: PITPNM3 (PITPNM family member 3; minus strand). Cytogenetic location: 17p13.2.
Variant type: single nucleotide variant.
Coding change: c.2684A>G on transcript NM_031220.4 (MANE Select); coding-DNA position 2684, A replaced by G.
Protein change: p.Lys895Arg; replaces lysine 895 with arginine.
Molecular consequence: missense variant.
Genome position (GRCh38, 1-based): chr17:6,455,579, T>C on the plus strand (A>G on the coding strand, the complement: PITPNM3 is on the minus strand). VCF-style: chr17-6455579-T-C. GRCh37 (hg19) VCF-style: chr17-6358899-T-C.
Other names: c.2576A>G, p.Lys859Arg (NM_001165966.2); short protein forms K859R, K895R.
Identifiers: ClinVar variation 1716477 (VCV001716477.5), dbSNP rs780802131, ClinGen allele CA8329050.

ClinVar aggregate classification (germline): Uncertain significance (1 of 4 stars; one submission).

Allele frequency attached by ClinVar (database versions not stated): ExAC 0.00001.

Submission:

Labcorp Genetics (formerly Invitae), Labcorp
Classification: Uncertain significance. Last evaluated: 2022-08-15. Review status: criteria provided, single submitter. Criteria: Invitae Variant Classification Sherloc (09022015). Collection method: clinical testing. Allele origin: germline.
Comment: This sequence change replaces lysine, which is basic and polar, with arginine, which is basic and polar, at codon 895 of the PITPNM3 protein (p.Lys895Arg). This variant is present in population databases (rs780802131, gnomAD 0.0009%). This variant has not been reported in the literature in individuals affected with PITPNM3-related conditions. Algorithms developed to predict the effect of missense changes on protein structure and function are either unavailable or do not agree on the potential impact of this missense change (SIFT: "Tolerated"; PolyPhen-2: "Possibly Damaging"; Align-GVGD: "Class C0"). In summary, the available evidence is currently insufficient to determine the role of this variant in disease. Therefore, it has been classified as a Variant of Uncertain Significance.